The following is an entry in ClinVar:

NM_153704.6(TMEM67):c.1921T>G (p.Trp641Gly)

Gene: TMEM67 (transmembrane protein 67; plus strand). Cytogenetic location: 8q22.1.
Variant type: single nucleotide variant.
Coding change: c.1921T>G on transcript NM_153704.6 (MANE Select); coding-DNA position 1921, T replaced by G.
Protein change: p.Trp641Gly; replaces tryptophan 641 with glycine.
Molecular consequence: missense variant. On other transcripts: non-coding transcript variant (1).
Genome position (GRCh38, 1-based): chr8:93,797,194, T>G. VCF-style: chr8-93797194-T-G. GRCh37 (hg19) VCF-style: chr8-94809422-T-G.
Other names: c.1678T>G, p.Trp560Gly (NM_001142301.1); short protein forms W641G, W560G.
Identifiers: ClinVar variation 4985491 (VCV004985491.1).

ClinVar aggregate classification (germline): Uncertain significance (1 of 4 stars; one submission).

Conditions:
TMEM67-related disorder. Also called: TMEM67-related condition; TMEM67-related disorders. Identifiers: MedGen CN239423.

gnomAD v4.1: 39 of 1,613,382 alleles (0.0024%); highest among the groups gnomAD compares: Non-Finnish European, 0.0032%; no homozygotes.

Submission:

PreventionGenetics, part of Exact Sciences
Classification: Uncertain significance for TMEM67-related condition. Last evaluated: 2024-10-12. Review status: criteria provided, single submitter. Criteria: ACMG Guidelines, 2015. Collection method: clinical testing. Allele origin: germline.
Comment: The TMEM67 c.1921T>G variant is predicted to result in the amino acid substitution p.Trp641Gly. To our knowledge, this variant has not been reported in the literature. This variant is reported in 0.0023% of alleles in individuals of European (Non-Finnish) descent in gnomAD. At this time, the clinical significance of this variant is uncertain due to the absence of conclusive functional and genetic evidence.